The following is an entry in ClinVar:

ClinVar aggregate classification (germline): Uncertain significance (1 of 4 stars; one submission).

Submission:

GeneDx
Classification: Uncertain significance. Last evaluated: 2023-04-18. Review status: criteria provided, single submitter. Criteria: GeneDx Variant Classification Process June 2021. Collection method: clinical testing. Allele origin: germline. Affected: yes.
Comment: Not observed at significant frequency in large population cohorts (gnomAD); In silico analysis supports that this missense variant has a deleterious effect on protein structure/function; Has not been previously published as pathogenic or benign to our knowledge

NM_033305.3(VPS13A):c.4349C>T (p.Ser1450Phe)

Gene: VPS13A (vacuolar protein sorting 13 homolog A; plus strand). Cytogenetic location: 9q21.2.
Variant type: single nucleotide variant.
Coding change: c.4349C>T on transcript NM_033305.3 (MANE Select); coding-DNA position 4349, C replaced by T.
Protein change: p.Ser1450Phe; replaces serine 1450 with phenylalanine.
Molecular consequence: missense variant.
Genome position (GRCh38, 1-based): chr9:77,314,601, C>T. VCF-style: chr9-77314601-C-T. GRCh37 (hg19) VCF-style: chr9-79929517-C-T.
Other names: c.4232C>T, p.Ser1411Phe (NM_001018037.2); c.4349C>T, p.Ser1450Phe (NM_001018038.3, NM_015186.4); short protein forms S1411F, S1450F.
Identifiers: ClinVar variation 3343064 (VCV003343064.1).
Genomic context (GRCh38, chr9:77,314,601, plus strand): 5'-TTAAATTGGAGAATATTATAAGTACTTTAAAAATGTATACAGATGGCTCAACATTTTCTT[C>T]CTTCTCATTAAAAAACTGTATTTTAGATGATAAAAGACCTCATGTCAAGAAAGCAACTCC-3'
Protein context (NP_150648.2, residues 1440-1460): KMYTDGSTFS[Ser1450Phe]FSLKNCILDD